The following is an entry in ClinVar:

NM_006947.4(SRP72):c.176G>C (p.Gly59Ala)

Gene: SRP72 (signal recognition particle 72; plus strand). Cytogenetic location: 4q12.
Variant type: single nucleotide variant.
Coding change: c.176G>C on transcript NM_006947.4 (MANE Select); coding-DNA position 176, G replaced by C.
Protein change: p.Gly59Ala; replaces glycine 59 with alanine.
Molecular consequence: missense variant. On other transcripts: non-coding transcript variant (1).
Genome position (GRCh38, 1-based): chr4:56,469,719, G>C. VCF-style: chr4-56469719-G-C. GRCh37 (hg19) VCF-style: chr4-57335885-G-C.
Other names: c.176G>C, p.Gly59Ala (NM_001267722.2); short protein forms G59A.
Identifiers: ClinVar variation 3962098 (VCV003962098.1).

ClinVar aggregate classification (germline): Uncertain significance (1 of 4 stars; one submission).

gnomAD v4.1: 1 of 1,612,744 alleles (0.000062%); highest among the groups gnomAD compares: Non-Finnish European, 0.000085%; no homozygotes.

Submission:

Ambry Genetics
Classification: Uncertain significance. Last evaluated: 2025-05-11. Review status: criteria provided, single submitter. Criteria: Ambry Variant Classification Scheme 2023. Collection method: clinical testing. Allele origin: germline.
Comment: The p.G59A variant (also known as c.176G>C), located in coding exon 2 of the SRP72 gene, results from a G to C substitution at nucleotide position 176. The glycine at codon 59 is replaced by alanine, an amino acid with similar properties. This amino acid position is conserved. In addition, the in silico prediction for this alteration is inconclusive. Based on the available evidence, the clinical significance of this variant remains unclear.